The following is an entry in ClinVar:

NM_001376.5(DYNC1H1):c.4520T>C (p.Met1507Thr)

Gene: DYNC1H1 (dynein cytoplasmic 1 heavy chain 1; plus strand). Cytogenetic location: 14q32.31.
Variant type: single nucleotide variant.
Coding change: c.4520T>C on transcript NM_001376.5 (MANE Select); coding-DNA position 4520, T replaced by C.
Protein change: p.Met1507Thr; replaces methionine 1507 with threonine.
Molecular consequence: missense variant.
Genome position (GRCh38, 1-based): chr14:102,001,659, T>C. VCF-style: chr14-102001659-T-C. GRCh37 (hg19) VCF-style: chr14-102467996-T-C.
Other names: short protein forms M1507T.
Identifiers: ClinVar variation 3342696 (VCV003342696.1).

ClinVar aggregate classification (germline): Likely pathogenic (1 of 4 stars; one submission).

Submission:

GeneDx
Classification: Likely pathogenic. Last evaluated: 2024-03-08. Review status: criteria provided, single submitter. Criteria: GeneDx Variant Classification Process June 2021. Collection method: clinical testing. Allele origin: germline. Affected: yes.
Comment: Not observed at significant frequency in large population cohorts (gnomAD); In silico analysis supports that this missense variant has a deleterious effect on protein structure/function; Has not been previously published as pathogenic or benign to our knowledge